The following is an entry in ClinVar:

NM_006206.6(PDGFRA):c.1037G>A (p.Arg346Lys)

Gene: PDGFRA (platelet derived growth factor receptor alpha; plus strand). Cytogenetic location: 4q12.
Variant type: single nucleotide variant.
Coding change: c.1037G>A on transcript NM_006206.6 (MANE Select); coding-DNA position 1037, G replaced by A.
Protein change: p.Arg346Lys; replaces arginine 346 with lysine.
Molecular consequence: missense variant.
Genome position (GRCh38, 1-based): chr4:54,267,657, G>A. VCF-style: chr4-54267657-G-A. GRCh37 (hg19) VCF-style: chr4-55133824-G-A.
Other names: c.1037G>A, p.Arg346Lys (NM_001347827.2, NM_001347829.2); c.1112G>A, p.Arg371Lys (NM_001347828.2); c.1076G>A, p.Arg359Lys (NM_001347830.2); short protein forms R359K, R371K, R346K.
Identifiers: ClinVar variation 1772942 (VCV001772942.2), dbSNP rs78608730, ClinGen allele CA356891657.

ClinVar aggregate classification (germline): Uncertain significance (1 of 4 stars; one submission).

Conditions:
Hereditary cancer-predisposing syndrome. Also called: Hereditary Cancer Syndrome; Hereditary neoplastic syndrome; Neoplastic Syndromes, Hereditary; Tumor predisposition. Identifiers: Orphanet 140162, MedGen C0027672, MeSH D009386, MONDO:0015356.

Submission:

Ambry Genetics
Classification: Uncertain significance for Hereditary cancer-predisposing syndrome. Last evaluated: 2022-03-16. Review status: criteria provided, single submitter. Criteria: Ambry Variant Classification Scheme 2023. Collection method: clinical testing. Allele origin: germline.
Comment: The p.R346K variant (also known as c.1037G>A), located in coding exon 6 of the PDGFRA gene, results from a G to A substitution at nucleotide position 1037. The arginine at codon 346 is replaced by lysine, an amino acid with highly similar properties. This amino acid position is conserved. In addition, this alteration is predicted to be tolerated by in silico analysis. Since supporting evidence is limited at this time, the clinical significance of this alteration remains unclear.